The following is an entry in ClinVar:

NM_001256545.2(MEGF10):c.1960G>A (p.Ala654Thr)

Gene: MEGF10 (multiple EGF like domains 10; plus strand). Cytogenetic location: 5q23.2.
Variant type: single nucleotide variant.
Coding change: c.1960G>A on transcript NM_001256545.2 (MANE Select); coding-DNA position 1960, G replaced by A.
Protein change: p.Ala654Thr; replaces alanine 654 with threonine.
Molecular consequence: missense variant.
Genome position (GRCh38, 1-based): chr5:127,434,806, G>A. VCF-style: chr5-127434806-G-A. GRCh37 (hg19) VCF-style: chr5-126770498-G-A.
Other names: c.1960G>A, p.Ala654Thr (NM_032446.3); short protein forms A654T.
Identifiers: ClinVar variation 1504832 (VCV001504832.6), dbSNP rs754091432, ClinGen allele CA3391789.

ClinVar aggregate classification (germline): Uncertain significance (1 of 4 stars; one submission).

Conditions:
MEGF10-related myopathy (CMYO10A). Also called: Congenital myopathy 10A, severe variant. Identifiers: Orphanet 439212, MedGen C3280679, MONDO:0013731, OMIM 614399.

Allele frequency attached by ClinVar (database versions not stated): ExAC 0.00001; gnomAD 0.00001; TOPMed 0.00003; gnomAD exomes 0.00004.
gnomAD v4.1: 31 of 1,612,838 alleles (0.0019%); highest among the groups gnomAD compares: East Asian, 0.018%; no homozygotes.

Submission:

Labcorp Genetics (formerly Invitae), Labcorp
Classification: Uncertain significance for MEGF10-related myopathy. Last evaluated: 2024-01-28. Review status: criteria provided, single submitter. Criteria: Invitae Variant Classification Sherloc (09022015). Collection method: clinical testing. Allele origin: germline.
Comment: This sequence change replaces alanine, which is neutral and non-polar, with threonine, which is neutral and polar, at codon 654 of the MEGF10 protein (p.Ala654Thr). This variant is present in population databases (rs754091432, gnomAD 0.01%). This variant has not been reported in the literature in individuals affected with MEGF10-related conditions. ClinVar contains an entry for this variant (Variation ID: 1504832). An algorithm developed to predict the effect of missense changes on protein structure and function (PolyPhen-2) suggests that this variant is likely to be disruptive. In summary, the available evidence is currently insufficient to determine the role of this variant in disease. Therefore, it has been classified as a Variant of Uncertain Significance.